The following is an entry in ClinVar:

ClinVar aggregate classification (germline): Likely benign (0 of 4 stars; one submission).

Conditions:
KDM6A-related disorder. Also called: KDM6A-related condition.

Submission:

PreventionGenetics, part of Exact Sciences
Classification: Likely benign for KDM6A-related condition. Last evaluated: 2020-06-08. Review status: no assertion criteria provided. Collection method: clinical testing. Allele origin: germline.
Comment: This variant is classified as likely benign based on ACMG/AMP sequence variant interpretation guidelines (Richards et al. 2015 PMID: 25741868, with internal and published modifications).

NM_001291415.2(KDM6A):c.3893-7_3893-6dup

Gene: KDM6A (lysine demethylase 6A; plus strand). Cytogenetic location: Xp11.3.
Variant type: Duplication.
Coding change: c.3893-7_3893-6dup on transcript NM_001291415.2 (MANE Select); 7 bases into the intron before coding-DNA position 3893 through 6 bases into the intron before coding-DNA position 3893, 2 bases duplicated (TT; older notation c.3893-7_3893-6dupTT).
Molecular consequence: intron variant.
Genome position (GRCh38, 1-based): chrX:45,090,716-45,090,717, TT duplicated; duplicating any 2 consecutive bases within chrX:45,090,707-45,090,717 gives the same sequence; the c. name uses the placement nearest the transcript's 3' end. VCF-style (leftmost placement, unchanged base first): chrX-45090706-G-GTT. GRCh37 (hg19) VCF-style: chrX-44949951-G-GTT.
Other names: c.3893-7_3893-6dup (NM_001419809.1); c.3791-7_3791-6dup (NM_001419810.1, NM_001419813.1); c.3737-7_3737-6dup (NM_001419812.1, NM_021140.4); c.3635-7_3635-6dup (NM_001419814.1, NM_001410742.1); c.3758-7_3758-6dup (NM_001419811.1, NM_001291416.2); c.3602-7_3602-6dup (NM_001291417.2); c.3500-7_3500-6dup (NM_001419815.1, NM_001291418.2); c.2849-7_2849-6dup (NM_001291421.2).
Identifiers: ClinVar variation 3036614 (VCV003036614.2), dbSNP rs748438075, ClinGen allele CA10392743.